The following is an entry in ClinVar:

NM_138927.4(SON):c.5473C>T (p.Arg1825Ter)

Gene: SON (SON DNA and RNA binding protein; plus strand). Cytogenetic location: 21q22.11.
Variant type: single nucleotide variant.
Coding change: c.5473C>T on transcript NM_138927.4 (MANE Select); coding-DNA position 5473, C replaced by T.
Protein change: p.Arg1825Ter; replaces arginine 1825 with a stop codon.
Molecular consequence: nonsense. On other transcripts: non-coding transcript variant (1), intron variant (1).
Genome position (GRCh38, 1-based): chr21:33,554,704, C>T. VCF-style: chr21-33554704-C-T. GRCh37 (hg19) VCF-style: chr21-34927010-C-T.
Other names: c.5473C>T, p.Arg1825Ter (NM_001291411.2, NM_032195.3); c.245-2452C>T (NM_001291412.3); short protein forms R1825*.
Identifiers: ClinVar variation 620241 (VCV000620241.7), dbSNP rs1569058837, ClinGen allele CA410164879.
Genomic context (GRCh38, chr21:33,554,704, plus strand): 5'-AAAAATAAGAACCGTGATAAGGGGGAGAAAGAGAAGAAAAGAGACTCTTCATTAAGATCT[C>T]GAAGTAAGCGTTCCAAATCTTCTGAACACAAATCACGCAAGCGTACCAGTGAATCTCGTT-3'

ClinVar aggregate classification (germline): Pathogenic. Review status: criteria provided, multiple submitters, no conflicts (2 of 4 stars). 2 submissions from 2 submitters: Pathogenic (2). Last evaluated 2018-09-01.

Submissions (2):

Labcorp Genetics (formerly Invitae), Labcorp
Classification: Pathogenic. Last evaluated: 2018-09-01. Review status: criteria provided, single submitter. Criteria: Invitae Variant Classification Sherloc (09022015). Collection method: clinical testing. Allele origin: germline.
Comment: This sequence change creates a premature translational stop signal (p.Arg1825*) in the SON gene. It is expected to result in an absent or disrupted protein product. This variant is not present in population databases (ExAC no frequency). This variant has not been reported in the literature in individuals with SON-related disease. Loss-of-function variants in SON are known to be pathogenic (PMID: 27545676, 27545680). For these reasons, this variant has been classified as Pathogenic.

GeneDx
Classification: Pathogenic. Last evaluated: 2018-06-22. Review status: criteria provided, single submitter. Criteria: GeneDx Variant Classification (06012015). Collection method: clinical testing. Allele origin: germline. Affected: yes.
Comment: The R1825X nonsense variant in the SON gene has not been reported previously as a pathogenic variant nor as a benign variant to our knowledge. This variant is predicted to cause loss of normal protein function either through protein truncation or nonsense-mediated mRNA decay. The R1825X variant is not observed in large population cohorts (Lek et al., 2016). The R1825X variant is considered a pathogenic variant.

Literature cited by the submitters: PubMed 27545676 (cited by Labcorp Genetics (formerly Invitae), Labcorp); PubMed 27545680 (cited by Labcorp Genetics (formerly Invitae), Labcorp).